The following is an entry in ClinVar:

NM_152263.4(TPM3):c.776-8C>T

Gene: TPM3 (tropomyosin 3; minus strand). Cytogenetic location: 1q21.3.
Variant type: single nucleotide variant.
Coding change: c.776-8C>T on transcript NM_152263.4 (MANE Select); 8 bases into the intron before coding-DNA position 776, C replaced by T.
Molecular consequence: intron variant.
Genome position (GRCh38, 1-based): chr1:154,169,391, G>A on the plus strand (C>T on the coding strand, the complement: TPM3 is on the minus strand). VCF-style: chr1-154169391-G-A. GRCh37 (hg19) VCF-style: chr1-154141867-G-A.
Other names: c.775+1009C>T (NM_001364679.2, NM_001364681.2, NM_001364680.2); c.466+1009C>T (NM_001278188.2); c.664+1009C>T (NM_001043351.2, NM_001043353.2, NM_153649.4 and 1 more transcripts); c.665-8C>T (NM_001349679.2, NM_001278189.2, NM_001364683.1); c.601+1009C>T (NM_001278190.2); c.394+1009C>T (NM_001278191.2); c.776-8C>T (NM_001364682.1).
Identifiers: ClinVar variation 510708 (VCV000510708.13), dbSNP rs760834004, ClinGen allele CA1125514.

ClinVar aggregate classification (germline): Likely benign. Review status: criteria provided, multiple submitters, no conflicts (2 of 4 stars). 3 submissions from 3 submitters: Likely benign (3). Last evaluated 2024-04-17.

Conditions:
Congenital myopathy 4B, autosomal recessive. Also called: Nemaline myopathy 1, autosomal dominant or recessive. Identifiers: Orphanet 171433, Orphanet 171439, Orphanet 171881, MedGen C5829889, MONDO:0012239, OMIM 609284.
Congenital myopathy with fiber type disproportion. Also called: Congenital fiber-type disproportion myopathy; Congenital fiber-type disproportion. Identifiers: Orphanet 2020, MedGen C0546264, MONDO:0009711. Inheritance: all.

Allele frequency attached by ClinVar (database versions not stated): gnomAD 0.00001 and 0.00002; TOPMed 0.00002; gnomAD exomes 0.00003; ExAC 0.00004.
gnomAD v4.1: 47 of 1,614,106 alleles (0.0029%); highest among the groups gnomAD compares: South Asian, 0.027%; no homozygotes.

Submissions (3):

Labcorp Genetics (formerly Invitae), Labcorp
Classification: Likely benign for Congenital myopathy with fiber type disproportion; Congenital myopathy 4B, autosomal recessive. Last evaluated: 2024-04-17. Review status: criteria provided, single submitter. Criteria: Invitae Variant Classification Sherloc (09022015). Collection method: clinical testing. Allele origin: germline.

GeneDx
Classification: Likely benign. Last evaluated: 2017-07-11. Review status: criteria provided, single submitter. Criteria: GeneDx Variant Classification (06012015). Collection method: clinical testing. Allele origin: germline. Affected: yes.
Comment: This variant is considered likely benign or benign based on one or more of the following criteria: it is a conservative change, it occurs at a poorly conserved position in the protein, it is predicted to be benign by multiple in silico algorithms, and/or has population frequency not consistent with disease.

Breakthrough Genomics
Classification: Likely benign. Review status: criteria provided, single submitter. Criteria: ACMG Guidelines, 2015. Collection method: not provided. Allele origin: germline. Inheritance: Autosomal dominant inheritance. Affected: yes.